The following continues an entry in ClinVar:

NM_139058.3(ARX):c.306GGC[17] (p.Ala109_Ala115dup)

ClinVar aggregate classification (germline): Pathogenic/Likely pathogenic. Pathogenic (11); Likely pathogenic (1).

Submissions 9 to 13 of 13:

Eurofins Ntd Llc (ga)
Classification: Pathogenic. Last evaluated: 2016-09-07. Review status: criteria provided, single submitter. Criteria: EGL Classification Definitions. Collection method: clinical testing. Allele origin: germline. Observed: 1 variant allele, 1 hemizygote.
Comment: This variant is the most common pathogenic repeat allele of the first poly-alanine tract (referred to as PA1) within exon 2 of the ARX gene. This repeat allele has been reported with various nomenclatures in multiple individuals with ARX-related diseases including intellectual disability, Ohtahara syndrome and EIEE.1-4 References: Stromme et al. Nat Genet. 2002 Apr;30(4):441-5 Absoud et al. Dev Med Child Neurol. 2010 Mar;52(3):305-7. Kitamura et al. Hum Mol Genet. 2009 Oct 1;18(19):3708-24 Marques et al. Mol Genet Genomic Med. 2015 May;3(3):203-14

Genetic Services Laboratory, University of Chicago
Classification: Pathogenic for Lissencephaly, X-linked 2. Last evaluated: 2014-11-06. Review status: criteria provided, single submitter. Criteria: ACMG Guidelines, 2015. Collection method: clinical testing. Allele origin: germline. Affected: yes.

CENTOGENE GmbH and LLC - Guiding Precision Medicine
Classification: Pathogenic for Developmental and epileptic encephalopathy, 1. Review status: criteria provided, single submitter. Criteria: ACMG Guidelines, 2015. Collection method: clinical testing. Allele origin: de novo. Affected: yes.

Juno Genomics, Hangzhou Juno Genomics, Inc
Classification: Pathogenic for Developmental and epileptic encephalopathy, 1; X-linked lissencephaly with abnormal genitalia; Intellectual disability, X-linked, with or without seizures, ARX-related; Partington syndrome; Corpus callosum agenesis-abnormal genitalia syndrome. Review status: criteria provided, single submitter. Criteria: ACMG Guidelines, 2015. Collection method: clinical testing. Allele origin: germline. Affected: yes.
Comment: Absent from controls (or at extremely low frequency if recessive) in Genome Aggregation Database, Exome Sequencing Project, 1000 Genomes Project, or Exome Aggregation Consortium.;The prevalence of the variant in affected individuals is significantly increased compared to the prevalence in controls.;Co-segregation with disease in multiple affected family members in a gene definitively known to cause the disease.;Well-established in vitro or in vivo functional studies supportive of a damaging effect on the gene or gene product.;Protein length changes due to in-frame deletions/insertions in a non-repeat region or stop-loss variants.

OMIM
Classification: Pathogenic for DEVELOPMENTAL AND EPILEPTIC ENCEPHALOPATHY 1. Last evaluated: 2007-07-31. Review status: no assertion criteria provided. Collection method: literature only. Allele origin: germline. Not counted in ClinVar's aggregate classification.

Literature cited by the submitters: PubMed 11889467 (cited by 4 submitters); PubMed 15726411 (cited by Labcorp Genetics (formerly Invitae), Labcorp and Athena Diagnostics); PubMed 17664401 (cited by 3 submitters); PubMed 26029707 (cited by Labcorp Genetics (formerly Invitae), Labcorp and Athena Diagnostics); PubMed 17490853 (cited by 3 submitters); PubMed 23246292 (cited by Labcorp Genetics (formerly Invitae), Labcorp and Athena Diagnostics); PubMed 32860008 (cited by Women's Health and Genetics/Laboratory Corporation of America, LabCorp); PubMed 19605412 (cited by Women's Health and Genetics/Laboratory Corporation of America, LabCorp and Athena Diagnostics); PubMed 23583054 (cited by 3 submitters); PubMed 15533998 (cited by Women's Health and Genetics/Laboratory Corporation of America, LabCorp and Ambry Genetics); PubMed 21496008 (cited by Athena Diagnostics and Ambry Genetics); PubMed 29655203 (cited by Athena Diagnostics); PubMed 18462864 (cited by Athena Diagnostics); PubMed 10334471 (cited by OMIM); PubMed 9307258 (cited by OMIM).